The following is an entry in ClinVar:

ClinVar aggregate classification (germline): Uncertain significance. Review status: criteria provided, multiple submitters, no conflicts (2 of 4 stars). 3 submissions from 3 submitters: Uncertain significance (3). Last evaluated 2025-10-01.

Conditions:
Methylmalonic acidemia due to transcobalamin receptor defect (MATR). Also called: METHYLMALONIC ACIDEMIA, TCblR TYPE; METHYLMALONIC ACIDURIA, TRANSIENT, DUE TO TRANSCOBALAMIN RECEPTOR DEFECT. Identifiers: Orphanet 280183, MedGen C4749905, MONDO:0013341, OMIM 613646.

Allele frequency attached by ClinVar (database versions not stated): ExAC 0.00001; gnomAD exomes 0.00002; ESP Exome Variant Server 0.00008; gnomAD 0.00013; TOPMed 0.00014; 1000 Genomes Project 30x 0.00016; 1000 Genomes Project 0.00020.

Submissions (3):

Labcorp Genetics (formerly Invitae), Labcorp
Classification: Uncertain significance for Methylmalonic acidemia due to transcobalamin receptor defect. Last evaluated: 2025-10-01. Review status: criteria provided, single submitter. Criteria: Invitae Variant Classification Sherloc (09022015). Collection method: clinical testing. Allele origin: germline.
Comment: This sequence change replaces asparagine, which is neutral and polar, with serine, which is neutral and polar, at codon 170 of the CD320 protein (p.Asn170Ser). This variant is present in population databases (rs146900609, gnomAD 0.02%). This variant has not been reported in the literature in individuals affected with CD320-related conditions. ClinVar contains an entry for this variant (Variation ID: 2071104). An algorithm developed to predict the effect of missense changes on protein structure and function outputs the following: PolyPhen-2: "Benign". The serine amino acid residue is found in multiple mammalian species, which suggests that this missense change does not adversely affect protein function. In summary, the available evidence is currently insufficient to determine the role of this variant in disease. Therefore, it has been classified as a Variant of Uncertain Significance.

Ambry Genetics
Classification: Uncertain significance. Last evaluated: 2024-10-09. Review status: criteria provided, single submitter. Criteria: Ambry Variant Classification Scheme 2023. Collection method: clinical testing. Allele origin: germline.

Breakthrough Genomics
Classification: Uncertain significance. Review status: criteria provided, single submitter. Criteria: ACMG Guidelines, 2015. Collection method: not provided. Allele origin: germline. Inheritance: Autosomal recessive inheritance. Affected: yes.

NM_016579.4(CD320):c.509A>G (p.Asn170Ser)

Gene: CD320 (CD320 molecule; minus strand). Cytogenetic location: 19p13.2.
Variant type: single nucleotide variant.
Coding change: c.509A>G on transcript NM_016579.4 (MANE Select); coding-DNA position 509, A replaced by G.
Protein change: p.Asn170Ser; replaces asparagine 170 with serine.
Molecular consequence: missense variant.
Genome position (GRCh38, 1-based): chr19:8,302,974, T>C on the plus strand (A>G on the coding strand, the complement: CD320 is on the minus strand). VCF-style: chr19-8302974-T-C. GRCh37 (hg19) VCF-style: chr19-8367858-T-C.
Other names: c.383A>G, p.Asn128Ser (NM_001165895.2); c.509A>G (NM_016579.3); short protein forms N128S, N170S.
Identifiers: ClinVar variation 2071104 (VCV002071104.6), dbSNP rs146900609, ClinGen allele CA9154697.